The following is an entry in ClinVar:

NM_198880.3(QRICH1):c.662C>T (p.Pro221Leu)

Gene: QRICH1 (glutamine rich 1; minus strand). Cytogenetic location: 3p21.31.
Variant type: single nucleotide variant.
Coding change: c.662C>T on transcript NM_198880.3 (MANE Select); coding-DNA position 662, C replaced by T.
Protein change: p.Pro221Leu; replaces proline 221 with leucine.
Molecular consequence: missense variant.
Genome position (GRCh38, 1-based): chr3:49,057,538, G>A on the plus strand (C>T on the coding strand, the complement: QRICH1 is on the minus strand). VCF-style: chr3-49057538-G-A. GRCh37 (hg19) VCF-style: chr3-49094971-G-A.
Other names: c.662C>T, p.Pro221Leu (NM_001320580.2, NM_001320581.2, NM_001320582.2 and 4 more transcripts); short protein forms P221L.
Identifiers: ClinVar variation 4628748 (VCV004628748.1).

ClinVar aggregate classification (germline): Uncertain significance (1 of 4 stars; one submission).

Conditions:
Inborn genetic diseases. Identifiers: MedGen C0950123, MeSH D030342.

gnomAD v4.1: 4 of 1,613,190 alleles (0.00025%); highest among the groups gnomAD compares: African/African-American, 0.0053%; no homozygotes.

Submission:

Ambry Genetics
Classification: Uncertain significance for Inborn genetic diseases. Last evaluated: 2025-12-04. Review status: criteria provided, single submitter. Criteria: Ambry Variant Classification Scheme 2023. Collection method: clinical testing. Allele origin: germline.
Comment: The c.662C>T (p.P221L) alteration is located in exon 4 (coding exon 2) of the QRICH1 gene. This alteration results from a C to T substitution at nucleotide position 662, causing the proline (P) at amino acid position 221 to be replaced by a leucine (L). Based on data from gnomAD, the T allele has an overall frequency of <0.001% (1/250560) total alleles studied. The highest observed frequency was 0.006% (1/16184) of African alleles. Based on insufficient or conflicting evidence, the clinical significance of this alteration remains unclear.